The following is an entry in ClinVar:

ClinVar aggregate classification (germline): Benign; association. Review status: criteria provided, multiple submitters, no conflicts (2 of 4 stars). 3 submissions from 3 submitters: Benign (1). 1 of the submissions does not count toward it. Last evaluated 2021-09-07.

Conditions:
Warfarin sensitivity, X-linked. Also called: COUMARIN SENSITIVITY, X-LINKED. Identifiers: MedGen C5393318, OMIM 301052, MONDO:0026768.
Hereditary factor IX deficiency disease (HEMB). Also called: Christmas Disease; F9 DEFICIENCY; FACTOR IX DEFICIENCY; PLASMA THROMBOPLASTIN COMPONENT DEFICIENCY; Hemophilia B. Identifiers: Orphanet 98879, MedGen C0008533, MeSH D002836, MONDO:0010604, OMIM 306900.
Thrombophilia, X-linked, due to factor 9 defect. Identifiers: MedGen C2749016, MONDO:0010432, OMIM 300807.

Allele frequency attached by ClinVar (database versions not stated): ESP Exome Variant Server 0.00009; gnomAD 0.00001; ExAC 0.00002; gnomAD exomes 0.00001; TOPMed 0.00002.
gnomAD v4.1: 13 of 1,205,775 alleles (0.0011%); highest among the groups gnomAD compares: South Asian, 0.009%; no homozygotes.

Submissions (3):

Labcorp Genetics (formerly Invitae), Labcorp
Classification: association for Thrombophilia, X-linked, due to factor 9 defect; Hereditary factor IX deficiency disease. Last evaluated: 2021-09-07. Review status: criteria provided, single submitter. Criteria: Invitae Variant Classification Sherloc (09022015). Collection method: clinical testing. Allele origin: germline.
Comment: This sequence change replaces alanine with threonine at codon 37 of the F9 protein (p.Ala37Thr). The alanine residue is highly conserved and there is a small physicochemical difference between alanine and threonine. This variant is present in population databases (rs367569299, ExAC 0.01%). This variant has not been reported in individuals with hemophilia B. It has been observed in multiple hemizygous males who experienced significant bleeding events upon treatment with vitamin K-antagonist (VKA) anticoagulant agents such as warfarin (PMID: 8833911, 29923114, 30576981, 29450643). It has also been observed to segregate with VKA anticoagulant hypersensitivity and bleeding complications in related individuals. In the absence of VKA anticoagulant therapy, this variant has not been associated with adverse health outcomes. This variant is also known as Ala-10Thr. ClinVar contains an entry for this variant (Variation ID: 804089). Advanced modeling of protein sequence and biophysical properties (such as structural, functional, and spatial information, amino acid conservation, physicochemical variation, residue mobility, and thermodynamic stability) performed at Invitae indicates that this missense variant is expected to disrupt F9 protein function. Experimental studies have shown that the activity of F9 protein with this variant is normal in the absence of warfarin and <1% of normal in its presence (PMID: 8833911, 29450643). In summary, although this variant is not associated with hemophilia B, it has a reported association with VKA anticoagulant hypersensitivity and risk for a bleeding event in the setting of treatment with VKA anticoagulant drugs. For these reasons, this variant has been classified as an Increased Risk Allele.

Mendelics
Classification: Benign for Hereditary factor IX deficiency disease. Last evaluated: 2019-05-28. Review status: criteria provided, single submitter. Criteria: Mendelics Assertion Criteria 2017. Collection method: clinical testing. Allele origin: unknown.

OMIM
Classification: Pathogenic for WARFARIN SENSITIVITY, X-LINKED. Last evaluated: 1996-10-01. Review status: no assertion criteria provided. Collection method: literature only. Allele origin: germline. Not counted in ClinVar's aggregate classification.

Literature cited by the submitters: PubMed 8833911 (cited by Labcorp Genetics (formerly Invitae), Labcorp and OMIM); PubMed 29923114 (cited by Labcorp Genetics (formerly Invitae), Labcorp); PubMed 30576981 (cited by Labcorp Genetics (formerly Invitae), Labcorp); PubMed 29450643 (cited by Labcorp Genetics (formerly Invitae), Labcorp and OMIM); PubMed 11307814 (cited by OMIM).

NM_000133.4(F9):c.109G>A (p.Ala37Thr)

Gene: F9 (coagulation factor IX; plus strand). Cytogenetic location: Xq27.1.
Variant type: single nucleotide variant.
Coding change: c.109G>A on transcript NM_000133.4 (MANE Select); coding-DNA position 109, G replaced by A.
Protein change: p.Ala37Thr; replaces alanine 37 with threonine.
Molecular consequence: missense variant.
Genome position (GRCh38, 1-based): chrX:139,537,030, G>A. VCF-style: chrX-139537030-G-A. GRCh37 (hg19) VCF-style: chrX-138619189-G-A.
Other names: F9, ALA-10THR; ALA-10THR; F9, ALA37THR; c.109G>A, p.Ala37Thr (NM_001313913.2); short protein forms A37T.
Identifiers: ClinVar variation 804089 (VCV000804089.6), dbSNP rs367569299, ClinGen allele CA10529736.